The following is an entry in ClinVar:

ClinVar aggregate classification (germline): Uncertain significance (1 of 4 stars; one submission).

Conditions:
Hereditary cancer-predisposing syndrome. Also called: Neoplastic Syndromes, Hereditary; Tumor predisposition; Hereditary Cancer Syndrome; Hereditary neoplastic syndrome. Identifiers: Orphanet 140162, MedGen C0027672, MeSH D009386, MONDO:0015356.

Submission:

Ambry Genetics
Classification: Uncertain significance for Hereditary cancer-predisposing syndrome. Last evaluated: 2026-05-04. Review status: criteria provided, single submitter. Criteria: Ambry Variant Classification Scheme 2023. Collection method: clinical testing. Allele origin: germline.
Comment: The p.S465P variant (also known as c.1393T>C), located in coding exon 10 of the PTCH1 gene, results from a T to C substitution at nucleotide position 1393. The serine at codon 465 is replaced by proline, an amino acid with similar properties. This amino acid position is highly conserved in available vertebrate species. In addition, this alteration is predicted to be deleterious by in silico analysis. Based on the available evidence, the clinical significance of this variant remains unclear.

NM_000264.5(PTCH1):c.1393T>C (p.Ser465Pro)

Gene: PTCH1 (patched 1; minus strand). Cytogenetic location: 9q22.32.
Variant type: single nucleotide variant.
Coding change: c.1393T>C on transcript NM_000264.5 (MANE Select); coding-DNA position 1393, T replaced by C.
Protein change: p.Ser465Pro; replaces serine 465 with proline.
Molecular consequence: missense variant. On other transcripts: non-coding transcript variant (1), intron variant (1).
Genome position (GRCh38, 1-based): chr9:95,477,657, A>G on the plus strand (T>C on the coding strand, the complement: PTCH1 is on the minus strand). VCF-style: chr9-95477657-A-G. GRCh37 (hg19) VCF-style: chr9-98239939-A-G.
Other names: c.1195T>C, p.Ser399Pro (NM_001083602.3); c.1390T>C, p.Ser464Pro (NM_001083603.3); c.940T>C, p.Ser314Pro (NM_001083604.3, NM_001083605.3, NM_001083606.3 and 1 more transcripts); c.1347+398T>C (NM_001354918.2); short protein forms S464P, S314P, S399P, S465P.
Identifiers: ClinVar variation 2564366 (VCV002564366.3), dbSNP rs2118309133, ClinGen allele CA374118588.